The following is an entry in ClinVar:

NM_001130987.2(DYSF):c.5094C>T (p.Ile1698=)

Gene: DYSF (dysferlin; plus strand). Cytogenetic location: 2p13.2.
Variant type: single nucleotide variant.
Coding change: c.5094C>T on transcript NM_001130987.2 (MANE Select); coding-DNA position 5094, C replaced by T.
Protein change: p.Ile1698=; no amino-acid change (isoleucine 1698 retained).
Molecular consequence: synonymous variant.
Genome position (GRCh38, 1-based): chr2:71,664,358, C>T. VCF-style: chr2-71664358-C-T. GRCh37 (hg19) VCF-style: chr2-71891488-C-T.
Other names: p.Ile1659=; c.4980C>T, p.Ile1660= (NM_001130455.2); c.4935C>T, p.Ile1645= (NM_001130976.2); c.4998C>T, p.Ile1666= (NM_001130977.2); c.5040C>T, p.Ile1680= (NM_001130978.2); c.5070C>T, p.Ile1690= (NM_001130979.2); c.5028C>T, p.Ile1676= (NM_001130980.2); c.5091C>T, p.Ile1697= (NM_001130981.2); and 6 more.
Identifiers: ClinVar variation 285804 (VCV000285804.25), dbSNP rs149087116, ClinGen allele CA1707241.
Genomic context (GRCh38, chr2:71,664,358, plus strand): 5'-GGAGAAGGACCTAAAGATCACTCTCTATGACTATGACCTCCTCTCCAAGGACGAAAAGAT[C>T]GGTGAGACGGTCGTCGACCTGGAGAACAGGCTGCTGTCCAAGTTTGGGGCTCGCTGTGGA-3'
Protein context (NP_001124459.1, residues 1688-1708): DYDLLSKDEK[Ile1698=]GETVVDLENR

ClinVar aggregate classification (germline): Conflicting classifications of pathogenicity. Review status: criteria provided, conflicting classifications (1 of 4 stars). 8 submissions from 8 submitters: Uncertain significance (2); Likely benign (5). 1 of the submissions does not count toward it. Last evaluated 2026-09-01.

Conditions:
Neuromuscular disease caused by qualitative or quantitative defects of dysferlin. Also called: Dysferlinopathy; Qualitative or quantitative defects of dysferlin. Identifiers: Orphanet 207073, MedGen C2931687, MONDO:0016145.
Autosomal recessive limb-girdle muscular dystrophy type 2B (LGMDR2). Also called: Limb-girdle muscular dystrophy, type 2B; MUSCULAR DYSTROPHY, LIMB-GIRDLE, AUTOSOMAL RECESSIVE 2; MUSCULAR DYSTROPHY, LIMB-GIRDLE, TYPE 3; Limb-Girdle Muscular Dystrophy Type 2B (LGMD2B). Identifiers: Orphanet 268, MedGen C1850889, MONDO:0009676, OMIM 253601.
DYSF-related disorder. Also called: DYSF-related disorders; DYSF-related condition.

Allele frequency attached by ClinVar (database versions not stated): ExAC 0.00031; gnomAD exomes 0.00034; ESP Exome Variant Server 0.00008; gnomAD 0.00012; TOPMed 0.00019.
gnomAD v4.1: 150 of 1,614,054 alleles (0.0093%); highest among the groups gnomAD compares: Admixed American, 0.12%; no homozygotes.

Submissions (8):

CeGaT Center for Human Genetics Tuebingen
Classification: Likely benign. Last evaluated: 2026-09-01. Review status: criteria provided, single submitter. Criteria: CeGaT Center For Human Genetics Tuebingen Variant Classification Criteria Version 2. Collection method: clinical testing. Allele origin: germline. Affected: yes. Observed: 1 variant allele.
Comment: DYSF: BP4, BP7

Labcorp Genetics (formerly Invitae), Labcorp
Classification: Likely benign for Neuromuscular disease caused by qualitative or quantitative defects of dysferlin. Last evaluated: 2026-01-26. Review status: criteria provided, single submitter. Criteria: Invitae Variant Classification Sherloc (09022015). Collection method: clinical testing. Allele origin: germline.

Mayo Clinic Laboratories, Mayo Clinic
Classification: Likely benign. Last evaluated: 2025-10-21. Review status: criteria provided, single submitter. Criteria: ACMG Guidelines, 2015. Collection method: clinical testing. Allele origin: germline. Observed: 1 variant allele.
Comment: BP4, BP7

PreventionGenetics, part of Exact Sciences
Classification: Likely benign for DYSF-related condition. Last evaluated: 2024-10-14. Review status: criteria provided, single submitter. Criteria: ACMG Guidelines, 2015. Collection method: clinical testing. Allele origin: germline.
Comment: This variant is classified as likely benign based on ACMG/AMP sequence variant interpretation guidelines (Richards et al. 2015 PMID: 25741868, with internal and published modifications).

Blueprint Genetics
Classification: Likely benign. Last evaluated: 2020-05-06. Review status: criteria provided, single submitter. Criteria: ACMG Guidelines, 2015. Collection method: clinical testing. Allele origin: germline.

Illumina Laboratory Services, Illumina
Classification: Uncertain significance for Qualitative or quantitative defects of dysferlin. Last evaluated: 2018-01-13. Review status: criteria provided, single submitter. Criteria: ICSL Variant Classification Criteria 13 December 2019. Collection method: clinical testing. Allele origin: germline.

Eurofins Ntd Llc (ga)
Classification: Uncertain significance. Last evaluated: 2016-01-29. Review status: criteria provided, single submitter. Criteria: EGL Classification Definitions 2015. Collection method: clinical testing. Allele origin: germline. Observed: 1 variant allele, 1 heterozygote.

Natera, Inc.
Classification: Likely benign for Limb-girdle muscular dystrophy type 2B. Last evaluated: 2020-09-16. Review status: no assertion criteria provided. Collection method: clinical testing. Allele origin: germline. Not counted in ClinVar's aggregate classification.